The following is an entry in ClinVar:

NM_000137.4(FAH):c.726G>A (p.Trp242Ter)

Gene: FAH (fumarylacetoacetate hydrolase; plus strand). Cytogenetic location: 15q25.1.
Variant type: single nucleotide variant.
Coding change: c.726G>A on transcript NM_000137.4 (MANE Select); coding-DNA position 726, G replaced by A.
Protein change: p.Trp242Ter; replaces tryptophan 242 with a stop codon.
Molecular consequence: nonsense.
Genome position (GRCh38, 1-based): chr15:80,173,033, G>A. VCF-style: chr15-80173033-G-A. GRCh37 (hg19) VCF-style: chr15-80465375-G-A.
Other names: c.726G>A, p.Trp242Ter (NM_001374377.1, NM_001374380.1); short protein forms W242*.
Identifiers: ClinVar variation 813490 (VCV000813490.11), dbSNP rs1567118987, ClinGen allele CA393620675.

ClinVar aggregate classification (germline): Pathogenic/Likely pathogenic. Review status: criteria provided, multiple submitters, no conflicts (2 of 4 stars). 3 submissions from 3 submitters: Pathogenic (1); Likely pathogenic (2). Last evaluated 2026-01-17.

Conditions:
Tyrosinemia type I (TYRSN1). Also called: HEPATORENAL TYROSINEMIA; Tyrosinemia type 1; Fumarylacetoacetase deficiency; FAH DEFICIENCY; Deficiency of fumarylacetoacetase. Identifiers: Orphanet 882, MedGen C0268490, MONDO:0010161, OMIM 276700. Disease mechanism: loss of function.

Allele frequency attached by ClinVar (database versions not stated): gnomAD exomes below 0.00001 and 0.00002.
gnomAD v4.1: 24 of 1,614,238 alleles (0.0015%); highest among the groups gnomAD compares: Non-Finnish European, 0.002%; no homozygotes.

Submissions (3):

Labcorp Genetics (formerly Invitae), Labcorp
Classification: Pathogenic for Tyrosinemia type I. Last evaluated: 2026-01-17. Review status: criteria provided, single submitter. Criteria: Invitae Variant Classification Sherloc (09022015). Collection method: clinical testing. Allele origin: germline.
Comment: This sequence change creates a premature translational stop signal (p.Trp242*) in the FAH gene. It is expected to result in an absent or disrupted protein product. Loss-of-function variants in FAH are known to be pathogenic (PMID: 9101289, 9633815). This variant is not present in population databases (gnomAD no frequency). This premature translational stop signal has been observed in individual(s) with tyrosinemia, type 1 (PMID: 25681080). ClinVar contains an entry for this variant (Variation ID: 813490). Algorithms developed to predict the effect of sequence changes on RNA splicing suggest that this variant may disrupt the consensus splice site. For these reasons, this variant has been classified as Pathogenic.

Natera, Inc.
Classification: Likely pathogenic for Tyrosinemia type I. Last evaluated: 2024-06-10. Review status: criteria provided, single submitter. Criteria: Natera Variant Classification Schema (03/2026). Collection method: clinical testing. Allele origin: germline.
Comment: The c.726G>A variant in FAH is a nonsense variant predicted to introduce a stop codon at amino acid 242. This variant is expected to result in nonsense mediated decay, truncation, or a dysfunctional protein product. This variant is rare in the general population with a frequency below the threshold expected for the associated phenotype(s). Given the available evidence, this variant is classified as Likely Pathogenic.

Fulgent Genetics
Classification: Likely pathogenic for Tyrosinemia type I. Last evaluated: 2024-03-19. Review status: criteria provided, single submitter. Criteria: ACMG Guidelines, 2015. Collection method: clinical testing. Allele origin: germline.

Literature cited by the submitters: PubMed 9101289 (cited by Labcorp Genetics (formerly Invitae), Labcorp); PubMed 9633815 (cited by Labcorp Genetics (formerly Invitae), Labcorp); PubMed 25681080 (cited by Labcorp Genetics (formerly Invitae), Labcorp).